The following is an entry in ClinVar:

ClinVar aggregate classification (germline): Uncertain significance (1 of 4 stars; one submission).

Conditions:
Warts, hypogammaglobulinemia, infections, and myelokathexis. Also called: WHIM syndrome. Identifiers: MedGen C0472817, MONDO:0023880.

gnomAD v4.1: 3 of 1,614,196 alleles (0.00019%); highest among the groups gnomAD compares: African/African-American, 0.004%; no homozygotes.

Submission:

Labcorp Genetics (formerly Invitae), Labcorp
Classification: Uncertain significance for Warts, hypogammaglobulinemia, infections, and myelokathexis. Last evaluated: 2025-12-28. Review status: criteria provided, single submitter. Criteria: Invitae Variant Classification Sherloc (09022015). Collection method: clinical testing. Allele origin: germline.
Comment: This sequence change replaces glutamic acid, which is acidic and polar, with alanine, which is neutral and non-polar, at codon 32 of the CXCR4 protein (p.Glu32Ala). This variant is not present in population databases (gnomAD no frequency). This variant has not been reported in the literature in individuals affected with CXCR4-related conditions. ClinVar contains an entry for this variant (Variation ID: 3643470). An algorithm developed to predict the effect of missense changes on protein structure and function (PolyPhen-2) suggests that this variant is likely to be tolerated. Experimental studies have shown that this missense change affects CXCR4 function (PMID: 10400757). In summary, the available evidence is currently insufficient to determine the role of this variant in disease. Therefore, it has been classified as a Variant of Uncertain Significance.

Literature cited by the submitters: PubMed 10400757.

NM_003467.3(CXCR4):c.95A>C (p.Glu32Ala)

Gene: CXCR4 (C-X-C motif chemokine receptor 4; minus strand). Cytogenetic location: 2q22.1.
Variant type: single nucleotide variant.
Coding change: c.95A>C on transcript NM_003467.3 (MANE Select); coding-DNA position 95, A replaced by C.
Protein change: p.Glu32Ala; replaces glutamic acid 32 with alanine.
Molecular consequence: missense variant.
Genome position (GRCh38, 1-based): chr2:136,115,833, T>G on the plus strand (A>C on the coding strand, the complement: CXCR4 is on the minus strand). VCF-style: chr2-136115833-T-G. GRCh37 (hg19) VCF-style: chr2-136873403-T-G.
Other names: c.107A>C, p.Glu36Ala (NM_001008540.2); c.308A>C, p.Glu103Ala (NM_001348056.2); c.194A>C, p.Glu65Ala (NM_001348059.2); c.50A>C, p.Glu17Ala (NM_001348060.2); short protein forms E36A, E65A, E32A, E103A, E17A.
Identifiers: ClinVar variation 3643470 (VCV003643470.2).